The following is an entry in ClinVar:

ClinVar aggregate classification (germline): Uncertain significance. Review status: criteria provided, multiple submitters, no conflicts (2 of 4 stars). 2 submissions from 2 submitters: Uncertain significance (2). Last evaluated 2025-10-21.

Conditions:
Inborn genetic diseases. Identifiers: MedGen C0950123, MeSH D030342.
Glycine encephalopathy. Also called: Non-ketotic hyperglycinemia; Nonketotic hyperglycinemia. Identifiers: Orphanet 407, MedGen C0751748, MONDO:0011612, HP:0008288.

Allele frequency attached by ClinVar (database versions not stated): gnomAD exomes below 0.00001.
gnomAD v4.1: 4 of 1,613,568 alleles (0.00025%); highest among the groups gnomAD compares: Non-Finnish European, 0.00034%; no homozygotes.

Submissions (2):

Labcorp Genetics (formerly Invitae), Labcorp
Classification: Uncertain significance for Glycine encephalopathy. Last evaluated: 2025-10-21. Review status: criteria provided, single submitter. Criteria: Invitae Variant Classification Sherloc (09022015). Collection method: clinical testing. Allele origin: germline.
Comment: This sequence change replaces asparagine, which is neutral and polar, with lysine, which is basic and polar, at codon 127 of the GLDC protein (p.Asn127Lys). This variant is not present in population databases (gnomAD no frequency). This variant has not been reported in the literature in individuals affected with GLDC-related conditions. ClinVar contains an entry for this variant (Variation ID: 1501637). Invitae Evidence Modeling of protein sequence and biophysical properties (such as structural, functional, and spatial information, amino acid conservation, physicochemical variation, residue mobility, and thermodynamic stability) indicates that this missense variant is expected to disrupt GLDC protein function with a positive predictive value of 95%. In summary, the available evidence is currently insufficient to determine the role of this variant in disease. Therefore, it has been classified as a Variant of Uncertain Significance.

Ambry Genetics
Classification: Uncertain significance for Inborn genetic diseases. Last evaluated: 2025-03-22. Review status: criteria provided, single submitter. Criteria: Ambry Variant Classification Scheme 2023. Collection method: clinical testing. Allele origin: germline.

NM_000170.3(GLDC):c.381C>G (p.Asn127Lys)

Gene: GLDC (glycine decarboxylase; minus strand). Cytogenetic location: 9p24.1.
Variant type: single nucleotide variant.
Coding change: c.381C>G on transcript NM_000170.3 (MANE Select); coding-DNA position 381, C replaced by G.
Protein change: p.Asn127Lys; replaces asparagine 127 with lysine.
Molecular consequence: missense variant.
Genome position (GRCh38, 1-based): chr9:6,620,273, G>C on the plus strand (C>G on the coding strand, the complement: GLDC is on the minus strand). VCF-style: chr9-6620273-G-C. GRCh37 (hg19) VCF-style: chr9-6620273-G-C.
Other names: c.381C>G (NM_000170.2); short protein forms N127K.
Identifiers: ClinVar variation 1501637 (VCV001501637.7), dbSNP rs767326222, ClinGen allele CA372879657.